The following is an entry in ClinVar:

NM_007294.4(BRCA1):c.123C>G (p.His41Gln)

Gene: BRCA1 (BRCA1 DNA repair associated; minus strand). Cytogenetic location: 17q21.31.
Variant type: single nucleotide variant.
Coding change: c.123C>G on transcript NM_007294.4 (MANE Select); coding-DNA position 123, C replaced by G.
Protein change: p.His41Gln; replaces histidine 41 with glutamine.
Molecular consequence: missense variant. On other transcripts: non-coding transcript variant (1), intron variant (1).
Genome position (GRCh38, 1-based): chr17:43,115,737, G>C on the plus strand (C>G on the coding strand, the complement: BRCA1 is on the minus strand). VCF-style: chr17-43115737-G-C. GRCh37 (hg19) VCF-style: chr17-41267754-G-C.
Other names: c.123C>G, p.His41Gln (NM_001407986.1, NM_001407990.1, NM_001407991.1 and 192 more transcripts); c.-19C>G (NM_001408410.1, NM_001408452.1, NM_001408453.1 and 47 more transcripts); c.-135C>G (NM_001408455.1, NM_001408456.1, NM_001408468.1 and 13 more transcripts); c.-139C>G (NM_001408465.1, NM_001407695.1); c.-66C>G (NM_001408478.1, NM_001408479.1, NM_001408480.1 and 52 more transcripts); c.-182C>G (NM_001408492.1, NM_001407889.1, NM_001407900.1); c.-181C>G (NM_001408510.1, NM_001408512.1, NM_001407960.1 and 1 more transcripts); c.-8+8280C>G (NM_007297.4); and 2 more; short protein forms H41Q.
Identifiers: ClinVar variation 865144 (VCV000865144.3), dbSNP rs786202211, ClinGen allele CA10601912.

Conditions:
Breast-ovarian cancer, familial, susceptibility to, 1 (BROVCA1). Also called: BRCA1 Hereditary Breast and Ovarian Cancer; OVARIAN CANCER, SUSCEPTIBILITY TO. Identifiers: Orphanet 145, MedGen C2676676, MONDO:0011450, OMIM 604370. Disease mechanism: loss of function.

Submission:

Brotman Baty Institute, University of Washington
No classification provided (evidence only). Condition: Breast-ovarian cancer, familial 1. Review status: no classification provided. Collection method: in vitro. Allele origin: not applicable. Functional consequence: functionally_abnormal.
ClinVar note: "not provided" was previously submitted as the classification for the variant. However, the classification appeared to be based only on an observation of functional data so it was converted to no classification on 2025-07-30.